The following is an entry in ClinVar:

NM_000245.4(MET):c.1081G>A (p.Ala361Thr)

Gene: MET (MET proto-oncogene, receptor tyrosine kinase; plus strand). Cytogenetic location: 7q31.2.
Variant type: single nucleotide variant.
Coding change: c.1081G>A on transcript NM_000245.4 (MANE Select); coding-DNA position 1081, G replaced by A.
Protein change: p.Ala361Thr; replaces alanine 361 with threonine.
Molecular consequence: missense variant. On other transcripts: intron variant (1).
Genome position (GRCh38, 1-based): chr7:116,700,165, G>A. VCF-style: chr7-116700165-G-A. GRCh37 (hg19) VCF-style: chr7-116340219-G-A.
Other names: c.1081G>A, p.Ala361Thr (NM_001127500.3, NM_001324401.3); c.-91+27588G>A (NM_001324402.2); short protein forms A361T.
Identifiers: ClinVar variation 1948627 (VCV001948627.6), dbSNP rs786202310, ClinGen allele CA368970494.
Genomic context (GRCh38, chr7:116,700,165, plus strand): 5'-ATTCTTTTCGGGGTGTTCGCACAAAGCAAGCCAGATTCTGCCGAACCAATGGATCGATCT[G>A]CCATGTGTGCATTCCCTATCAAATATGTCAACGACTTCTTCAACAAGATCGTCAACAAAA-3'
Protein context (NP_000236.2, residues 351-371): PDSAEPMDRS[Ala361Thr]MCAFPIKYVN

ClinVar aggregate classification (germline): Uncertain significance. Review status: criteria provided, multiple submitters, no conflicts (2 of 4 stars). 2 submissions from 2 submitters: Uncertain significance (2). Last evaluated 2023-11-10.

Conditions:
Renal cell carcinoma. Identifiers: Orphanet 217071, MedGen C0007134, MeSH D002292, MONDO:0005086, HP:0005584.
Hereditary cancer-predisposing syndrome. Also called: Hereditary neoplastic syndrome; Tumor predisposition; Hereditary Cancer Syndrome; Neoplastic Syndromes, Hereditary. Identifiers: Orphanet 140162, MedGen C0027672, MeSH D009386, MONDO:0015356.

Submissions (2):

Ambry Genetics
Classification: Uncertain significance for Hereditary cancer-predisposing syndrome. Last evaluated: 2023-11-10. Review status: criteria provided, single submitter. Criteria: Ambry Variant Classification Scheme 2023. Collection method: clinical testing. Allele origin: germline.
Comment: The p.A361T variant (also known as c.1081G>A), located in coding exon 1 of the MET gene, results from a G to A substitution at nucleotide position 1081. The alanine at codon 361 is replaced by threonine, an amino acid with similar properties. This amino acid position is conserved. In addition, this alteration is predicted to be deleterious by in silico analysis. Since supporting evidence is limited at this time, the clinical significance of this alteration remains unclear.

Labcorp Genetics (formerly Invitae), Labcorp
Classification: Uncertain significance for Renal cell carcinoma. Last evaluated: 2022-03-10. Review status: criteria provided, single submitter. Criteria: Invitae Variant Classification Sherloc (09022015). Collection method: clinical testing. Allele origin: germline.
Comment: This variant is not present in population databases (gnomAD no frequency). In summary, the available evidence is currently insufficient to determine the role of this variant in disease. Therefore, it has been classified as a Variant of Uncertain Significance. Algorithms developed to predict the effect of missense changes on protein structure and function are either unavailable or do not agree on the potential impact of this missense change (SIFT: "Deleterious"; PolyPhen-2: "Probably Damaging"; Align-GVGD: "Class C0"). This variant has not been reported in the literature in individuals affected with MET-related conditions. This sequence change replaces alanine, which is neutral and non-polar, with threonine, which is neutral and polar, at codon 361 of the MET protein (p.Ala361Thr).